The following is an entry in ClinVar:

ClinVar aggregate classification (germline): Uncertain significance (1 of 4 stars; one submission).

Conditions:
GRID1-related disorder. Also called: GRID1-related condition.

Submission:

PreventionGenetics, part of Exact Sciences
Classification: Uncertain significance for GRID1-related condition. Last evaluated: 2025-02-26. Review status: criteria provided, single submitter. Criteria: ACMG Guidelines, 2015. Collection method: clinical testing. Allele origin: germline.
Comment: The GRID1 c.1856A>G variant is predicted to result in the amino acid substitution p.Gln619Arg. To our knowledge, this variant has not been reported in the literature or in a large population database (gnomAD), indicating this variant is rare. At this time, the clinical significance of this variant is uncertain due to the absence of conclusive functional and genetic evidence.

NM_017551.3(GRID1):c.1856A>G (p.Gln619Arg)

Gene: GRID1 (glutamate ionotropic receptor delta type subunit 1; minus strand). Cytogenetic location: 10q23.1.
Variant type: single nucleotide variant.
Coding change: c.1856A>G on transcript NM_017551.3 (MANE Select); coding-DNA position 1856, A replaced by G.
Protein change: p.Gln619Arg; replaces glutamine 619 with arginine.
Molecular consequence: missense variant.
Genome position (GRCh38, 1-based): chr10:85,724,354, T>C on the plus strand (A>G on the coding strand, the complement: GRID1 is on the minus strand). VCF-style: chr10-85724354-T-C. GRCh37 (hg19) VCF-style: chr10-87484111-T-C.
Other names: short protein forms Q619R.
Identifiers: ClinVar variation 4986691 (VCV004986691.1).
Genomic context (GRCh38, chr10:85,724,354, plus strand): 5'-TGGATAAGTTCTTCCAGGCCCCTAGAGCTATTCAATGATCAGGAAACCAGAAAGGTACCT[T>C]GCTGTACGAAGGCTCCATAGACAATCCAGATGGCGCTGTGCAGAGTGGCAGAAGCTGACG-3'
Protein context (NP_060021.1, residues 609-629): IWIVYGAFVQ[Gln619Arg]GGESSVNSMA